The following is an entry in ClinVar:

NM_001009999.3(KDM1A):c.278C>A (p.Ser93Tyr)

Gene: KDM1A (lysine demethylase 1A; plus strand). Cytogenetic location: 1p36.12.
Variant type: single nucleotide variant.
Coding change: c.278C>A on transcript NM_001009999.3 (MANE Select); coding-DNA position 278, C replaced by A.
Protein change: p.Ser93Tyr; replaces serine 93 with tyrosine.
Molecular consequence: missense variant.
Genome position (GRCh38, 1-based): chr1:23,019,874, C>A. VCF-style: chr1-23019874-C-A. GRCh37 (hg19) VCF-style: chr1-23346367-C-A.
Other names: c.278C>A, p.Ser93Tyr (NM_001363654.2, NM_015013.4); short protein forms S93Y.
Identifiers: ClinVar variation 1028440 (VCV001028440.3), dbSNP rs1011602988, ClinGen allele CA338952189.

ClinVar aggregate classification (germline): Uncertain significance. Review status: criteria provided, multiple submitters, no conflicts (2 of 4 stars). 3 submissions from 3 submitters: Uncertain significance (3). Last evaluated 2024-11-24.

Conditions:
Inborn genetic diseases. Identifiers: MedGen C0950123, MeSH D030342.
Palatal anomalies-widely spaced teeth-facial dysmorphism-developmental delay syndrome. Also called: Cleft palate, psychomotor retardation, and distinctive facial features. Identifiers: Orphanet 477993, MedGen C4225229, MONDO:0014751, OMIM 616728.

Submissions (3):

Ambry Genetics
Classification: Uncertain significance for Inborn genetic diseases. Last evaluated: 2024-11-24. Review status: criteria provided, single submitter. Criteria: Ambry Variant Classification Scheme 2023. Collection method: clinical testing. Allele origin: germline.
Comment: The p.S93Y variant (also known as c.278C>A), located in coding exon 1 of the KDM1A gene, results from a C to A substitution at nucleotide position 278. The serine at codon 93 is replaced by tyrosine, an amino acid with dissimilar properties. This amino acid position is conserved. In addition, this alteration is predicted to be tolerated by in silico analysis. Based on the available evidence, the clinical significance of this variant remains unclear.

GeneDx
Classification: Uncertain significance. Last evaluated: 2022-12-09. Review status: criteria provided, single submitter. Criteria: GeneDx Variant Classification Process June 2021. Collection method: clinical testing. Allele origin: germline. Affected: yes.
Comment: Not observed at significant frequency in large population cohorts (gnomAD); In silico analysis supports that this missense variant does not alter protein structure/function; Has not been previously published as pathogenic or benign to our knowledge

Baylor Genetics
Classification: Uncertain significance for Palatal anomalies-widely spaced teeth-facial dysmorphism-developmental delay syndrome. Last evaluated: 2020-01-16. Review status: criteria provided, single submitter. Criteria: ACMG Guidelines, 2015. Collection method: clinical testing. Allele origin: unknown. Affected: yes.
Comment: This variant was determined to be of uncertain significance according to ACMG Guidelines, 2015 [PMID:25741868].